The following is an entry in ClinVar:

NM_017534.6(MYH2):c.4553T>C (p.Leu1518Pro)

Genes: MYH2 (myosin heavy chain 2; minus strand), MYHAS (myosin heavy chain gene cluster antisense RNA; plus strand), LOC126862500 (BRD4-independent group 4 enhancer GRCh37_chr17:10427829-10429028; plus strand). Cytogenetic location: 17p13.1.
Variant type: single nucleotide variant.
Coding change: c.4553T>C on transcript NM_017534.6 (MANE Select); coding-DNA position 4553, T replaced by C.
Protein change: p.Leu1518Pro; replaces leucine 1518 with proline.
Molecular consequence: missense variant.
Genome position (GRCh38, 1-based): chr17:10,525,333, A>G on the plus strand (T>C on the coding strand, the complement: MYH2 is on the minus strand). VCF-style: chr17-10525333-A-G. GRCh37 (hg19) VCF-style: chr17-10428650-A-G.
Other names: c.4553T>C, p.Leu1518Pro (NM_001100112.2); short protein forms L1518P.
Identifiers: ClinVar variation 3657690 (VCV003657690.2).
Genomic context (GRCh38, chr17:10,525,333, plus strand): 5'-TGTTTCTTTATTTTCTCCAGTTCATGGATACGTTTCCCTCCTTCTGCAATCTGTTCCGTG[A>G]GGTCAGAAATCTCCTCTGTTGTTTGAGTAAAAGACAGGTAGGGATTTGGTTAAACATGTG-3'
Protein context (NP_060004.3, residues 1508-1528): NKNLQQEISD[Leu1518Pro]TEQIAEGGKR

ClinVar aggregate classification (germline): Uncertain significance (1 of 4 stars; one submission).

Conditions:
Myopathy, proximal, and ophthalmoplegia (CMYO6). Also called: MYOPATHY WITH CONGENITAL JOINT CONTRACTURES, OPHTHALMOPLEGIA, AND RIMMED VACUOLES; INCLUSION BODY MYOPATHY 3, AUTOSOMAL DOMINANT; CONGENITAL MYOPATHY 6 WITH OPHTHALMOPLEGIA. Identifiers: Orphanet 363677, Orphanet 79091, MedGen C1854106, MONDO:0011577, OMIM 605637.

gnomAD v4.1: 1 of 1,614,082 alleles (0.000062%); highest among the groups gnomAD compares: Non-Finnish European, 0.000085%; no homozygotes.

Submission:

Labcorp Genetics (formerly Invitae), Labcorp
Classification: Uncertain significance for Myopathy, proximal, and ophthalmoplegia. Last evaluated: 2024-06-24. Review status: criteria provided, single submitter. Criteria: Invitae Variant Classification Sherloc (09022015). Collection method: clinical testing. Allele origin: germline.
Comment: This sequence change replaces leucine, which is neutral and non-polar, with proline, which is neutral and non-polar, at codon 1518 of the MYH2 protein (p.Leu1518Pro). This variant is not present in population databases (gnomAD no frequency). This variant has not been reported in the literature in individuals affected with MYH2-related conditions. Advanced modeling of protein sequence and biophysical properties (such as structural, functional, and spatial information, amino acid conservation, physicochemical variation, residue mobility, and thermodynamic stability) performed at Invitae indicates that this missense variant is expected to disrupt MYH2 protein function with a positive predictive value of 80%. In summary, the available evidence is currently insufficient to determine the role of this variant in disease. Therefore, it has been classified as a Variant of Uncertain Significance.